The following is an entry in ClinVar:

NM_004333.6(BRAF):c.24T>C (p.Gly8=)

Gene: BRAF (B-Raf proto-oncogene, serine/threonine kinase; minus strand). Cytogenetic location: 7q34.
Variant type: single nucleotide variant.
Coding change: c.24T>C on transcript NM_004333.6 (MANE Select); coding-DNA position 24, T replaced by C.
Protein change: p.Gly8=; no amino-acid change (glycine 8 retained).
Molecular consequence: synonymous variant.
Genome position (GRCh38, 1-based): chr7:140,924,680, A>G on the plus strand (T>C on the coding strand, the complement: BRAF is on the minus strand). VCF-style: chr7-140924680-A-G. GRCh37 (hg19) VCF-style: chr7-140624480-A-G.
Other names: c.24T>C, p.Gly8= (NM_001354609.2, NM_001374244.1, NM_001374258.1 and 7 more transcripts).
Identifiers: ClinVar variation 3036233 (VCV003036233.2), dbSNP rs1287521540, ClinGen allele CA458124893.

ClinVar aggregate classification (germline): Likely benign (0 of 4 stars; one submission).

Conditions:
BRAF-related disorder. Also called: BRAF-related condition.

gnomAD v4.1: 1 of 1,157,350 alleles (0.000086%); highest among the groups gnomAD compares: East Asian, 0.0028%; no homozygotes.

Submission:

PreventionGenetics, part of Exact Sciences
Classification: Likely benign for BRAF-related condition. Last evaluated: 2023-05-10. Review status: no assertion criteria provided. Collection method: clinical testing. Allele origin: germline.
Comment: This variant is classified as likely benign based on ACMG/AMP sequence variant interpretation guidelines (Richards et al. 2015 PMID: 25741868, with internal and published modifications).